The following is an entry in ClinVar:

ClinVar aggregate classification (germline): Uncertain significance (1 of 4 stars; one submission).

Submission:

Women's Health and Genetics/Laboratory Corporation of America, LabCorp
Classification: Uncertain significance. Last evaluated: 2025-12-26. Review status: criteria provided, single submitter. Criteria: LabCorp Variant Classification Summary - May 2015. Collection method: clinical testing. Allele origin: germline.
Comment: Variant summary: NLGN3 c.2279_2281delCCC (p.Pro760del) results in an in-frame deletion that is predicted to remove one amino acid from the encoded protein. The variant allele was found at a frequency of 6.5e-06 in 153186 control chromosomes (gnomAD). The available data on variant occurrences in the general population are insufficient to allow any conclusion about variant significance. To our knowledge, no occurrence of c.2279_2281delCCC in individuals affected with NLGN3-related conditions and no experimental evidence demonstrating its impact on protein function have been reported. No submitters have cited clinical-significance assessments for this variant to ClinVar. Based on the evidence outlined above, the variant was classified as uncertain significance.

NM_181303.2(NLGN3):c.2339_2341del (p.Pro780del)

Gene: NLGN3 (neuroligin 3; plus strand). Cytogenetic location: Xq13.1.
Variant type: Deletion.
Coding change: c.2339_2341del on transcript NM_181303.2 (MANE Select); coding-DNA positions 2339 to 2341, 3 bases deleted (CCC; older notation c.2339_2341delCCC).
Protein change: p.Pro780del; deletes proline 780.
Molecular consequence: inframe deletion.
Genome position (GRCh38, 1-based): chrX:71,169,889-71,169,891, CCC deleted; deleting any 3 consecutive bases within chrX:71,169,885-71,169,891 gives the same sequence; the c. name uses the placement nearest the transcript's 3' end. VCF-style (leftmost placement, unchanged base first): chrX-71169884-TCCC-T. GRCh37 (hg19) VCF-style: chrX-70389734-TCCC-T.
Other names: c.2219_2221del, p.Pro740del (NM_001166660.2); c.1928_1930del, p.Pro643del (NM_001321276.2, NM_001438298.1); c.1988_1990del, p.Pro663del (NM_001437941.1, NM_001438296.1); c.2279_2281del, p.Pro760del (NM_018977.4); c.2279_2281delCCC (NM_018977.4); short protein forms P643del, P663del, P740del, P760del, P780del.
Identifiers: ClinVar variation 4688777 (VCV004688777.1).